The following is an entry in ClinVar:

NM_000132.4(F8):c.7019T>G (p.Met2340Arg)

Gene: F8 (coagulation factor VIII; minus strand). Cytogenetic location: Xq28.
Variant type: single nucleotide variant.
Coding change: c.7019T>G on transcript NM_000132.4 (MANE Select); coding-DNA position 7019, T replaced by G.
Protein change: p.Met2340Arg; replaces methionine 2340 with arginine.
Molecular consequence: missense variant.
Genome position (GRCh38, 1-based): chrX:154,837,634, A>C on the plus strand (T>G on the coding strand, the complement: F8 is on the minus strand). VCF-style: chrX-154837634-A-C. GRCh37 (hg19) VCF-style: chrX-154065909-A-C.
Other names: c.614T>G, p.Met205Arg (NM_019863.3); c.7019T>G (NM_000132.3); short protein forms M205R, M2340R.
Identifiers: ClinVar variation 4847199 (VCV004847199.2).

ClinVar aggregate classification (germline): Uncertain significance. Review status: criteria provided, multiple submitters, no conflicts (2 of 4 stars). 2 submissions from 2 submitters: Uncertain significance (2). Last evaluated 2026-03-16.

Conditions:
F8-related disorder. Also called: F8-related condition.

Submissions (2):

Women's Health and Genetics/Laboratory Corporation of America, LabCorp
Classification: Uncertain significance. Last evaluated: 2026-03-16. Review status: criteria provided, single submitter. Criteria: LabCorp Variant Classification Summary - May 2015. Collection method: clinical testing. Allele origin: germline.
Comment: Variant summary: F8 c.7019T>G (p.Met2340Arg) results in a non-conservative amino acid change in the encoded protein sequence. Algorithms developed to predict the effect of missense changes on protein structure and function are either unavailable or do not agree on the potential impact of this missense change. The frequency data for this variant in gnomAD is considered unreliable, as metrics indicate poor data quality at this position. To our knowledge, no occurrence of c.7019T>G in individuals affected with F8-related conditions and no experimental evidence demonstrating its impact on protein function have been reported. No submitters have cited clinical-significance assessments for this variant to ClinVar. Based on the evidence outlined above, the variant was classified as uncertain significance.

PreventionGenetics, part of Exact Sciences
Classification: Uncertain significance for F8-related condition. Last evaluated: 2025-06-16. Review status: criteria provided, single submitter. Criteria: ACMG Guidelines, 2015. Collection method: clinical testing. Allele origin: germline.
Comment: The F8 c.7019T>G variant is predicted to result in the amino acid substitution p.Met2340Arg. To our knowledge, this variant has not been reported in the literature or in a large population database (gnomAD), indicating this variant is rare. At this time, the clinical significance of this variant is uncertain due to the absence of conclusive functional and genetic evidence.